The following is an entry in ClinVar:

ClinVar aggregate classification (germline): Likely pathogenic (1 of 4 stars; one submission).

Conditions:
Cardiovascular phenotype. Identifiers: MedGen CN230736.

Submission:

Ambry Genetics
Classification: Likely pathogenic for Cardiovascular phenotype. Last evaluated: 2025-10-28. Review status: criteria provided, single submitter. Criteria: Ambry Variant Classification Scheme 2023. Collection method: clinical testing. Allele origin: germline.
Comment: The p.Q7668* variant (also known as c.23002C>T), located in coding exon 93 of the TTN gene, results from a C to T substitution at nucleotide position 23002. This changes the amino acid from a glutamine to a stop codon within coding exon 93. This exon is located in the A-band region of the N2-B isoform of the titin protein and is constitutively expressed in TTN transcripts (percent spliced in or PSI 100%). This variant is expected to result in loss of function by premature protein truncation or nonsense-mediated mRNA decay. While truncating variants in TTN are present in 1-3% of the general population, truncating variants in the A-band are the most common cause of dilated cardiomyopathy (Herman DS et al. N. Engl. J. Med., 2012 Feb;366:619-28; Roberts AM et al. Sci Transl Med, 2015 Jan;7:270ra6). TTN truncating variants encoded in constitutive exons (PSI >90%) have been found to be significantly associated with DCM regardless of their position in titin (Schafer S et al. Nat. Genet., 2017 01;49:46-53; Akhtar MM et al. Circ Heart Fail, 2020 Oct;13:e006832; Massier M et al. Clin Genet, 2025 Jan). This variant is considered to be rare based on population cohorts in the Genome Aggregation Database (gnomAD). Based on the majority of available evidence to date, this variant is likely to be pathogenic.

NM_001267550.2(TTN):c.50197C>T (p.Gln16733Ter)

Genes: TTN (titin; minus strand), TTN-AS1 (TTN antisense RNA 1; plus strand). Cytogenetic location: 2q31.2.
Variant type: single nucleotide variant.
Coding change: c.50197C>T on transcript NM_001267550.2 (MANE Select); coding-DNA position 50197, C replaced by T.
Protein change: p.Gln16733Ter; replaces glutamine 16733 with a stop codon.
Molecular consequence: nonsense.
Genome position (GRCh38, 1-based): chr2:178,612,328, G>A on the plus strand (C>T on the coding strand, the complement: TTN is on the minus strand). VCF-style: chr2-178612328-G-A. GRCh37 (hg19) VCF-style: chr2-179477055-G-A.
Other names: c.45274C>T, p.Gln15092Ter (NM_001256850.1); c.23002C>T, p.Gln7668Ter (NM_003319.4); c.42493C>T, p.Gln14165Ter (NM_133378.4); c.23377C>T, p.Gln7793Ter (NM_133432.3); c.23578C>T, p.Gln7860Ter (NM_133437.4); short protein forms Q15092*, Q7668*, Q16733*, Q14165*, Q7860*, Q7793*.
Identifiers: ClinVar variation 4615324 (VCV004615324.1).